The following is an entry in ClinVar:

ClinVar aggregate classification (germline): Uncertain significance (1 of 4 stars; one submission).

Conditions:
Familial acute necrotizing encephalopathy (IIAE3). Also called: ENCEPHALOPATHY, ACUTE, INFECTION-INDUCED, SUSCEPTIBILITY TO, 3; Susceptibility to Acute Necrotizing Encephalopathy 1. Identifiers: Orphanet 88619, MedGen C2675556, MONDO:0011953, OMIM 608033.

Allele frequency attached by ClinVar (database versions not stated): gnomAD 0.00001; TOPMed 0.00001.
gnomAD v4.1: 9 of 1,611,910 alleles (0.00056%); highest among the groups gnomAD compares: Non-Finnish European, 0.00076%; no homozygotes.

Submission:

Labcorp Genetics (formerly Invitae), Labcorp
Classification: Uncertain significance for Familial acute necrotizing encephalopathy. Last evaluated: 2020-10-27. Review status: criteria provided, single submitter. Criteria: Invitae Variant Classification Sherloc (09022015). Collection method: clinical testing. Allele origin: germline.
Comment: In summary, the available evidence is currently insufficient to determine the role of this variant in disease. Therefore, it has been classified as a Variant of Uncertain Significance. Algorithms developed to predict the effect of missense changes on protein structure and function (SIFT, PolyPhen-2, Align-GVGD) all suggest that this variant is likely to be disruptive, but these predictions have not been confirmed by published functional studies and their clinical significance is uncertain. This variant has not been reported in the literature in individuals with RANBP2-related conditions. This variant is not present in population databases (ExAC no frequency). This sequence change replaces alanine with valine at codon 2233 of the RANBP2 protein (p.Ala2233Val). The alanine residue is highly conserved and there is a small physicochemical difference between alanine and valine.

NM_006267.5(RANBP2):c.6698C>T (p.Ala2233Val)

Gene: RANBP2 (RAN binding protein 2; plus strand). Cytogenetic location: 2q13.
Variant type: single nucleotide variant.
Coding change: c.6698C>T on transcript NM_006267.5 (MANE Select); coding-DNA position 6698, C replaced by T.
Protein change: p.Ala2233Val; replaces alanine 2233 with valine.
Molecular consequence: missense variant.
Genome position (GRCh38, 1-based): chr2:108,767,237, C>T. VCF-style: chr2-108767237-C-T. GRCh37 (hg19) VCF-style: chr2-109383693-C-T.
Other names: short protein forms A2233V.
Identifiers: ClinVar variation 1039329 (VCV001039329.9), dbSNP rs753471961, ClinGen allele CA348076059.